The following is an entry in ClinVar:

ClinVar aggregate classification (germline): Uncertain significance (1 of 4 stars; one submission).

Conditions:
Fabry disease. Also called: ALPHA-GALACTOSIDASE A DEFICIENCY; ANDERSON-FABRY DISEASE; CERAMIDE TRIHEXOSIDASE DEFICIENCY; GLA DEFICIENCY; HEREDITARY DYSTOPIC LIPIDOSIS; Angiokeratoma corporis diffusum. Identifiers: Orphanet 324, MedGen C0002986, MONDO:0010526, OMIM 301500, HP:0001071. Disease mechanism: Fabry disease is due to inactivating mutations in the X-linked GLA gene resulting in deficiency of the enzyme Alpha Galactosidase-A., loss of function.

Submission:

Genomenon, Inc
Classification: Uncertain significance for Fabry disease. Last evaluated: 2026-09-08. Review status: criteria provided, single submitter. Criteria: Genomenon Sequence Variant Interpretation Standards - Updated. Collection method: curation. Allele origin: germline. Affected: no.
Comment: GLA p.Leu415Phe (c.1243C>T) is a missense variant that changes the amino acid at codon 415 from Leucine to Phenylalanine. This variant has been reported in the published literature (PMID:23306324;26652600;34205365;26298600;23935525;32023956;27657681). It is absent or not present at a significant frequency in gnomAD. In conclusion, we classify GLA p.Leu415Phe (c.1243C>T) as a variant of uncertain significance.

Literature cited by the submitters: PubMed 23306324; PubMed 26652600; PubMed 34205365; PubMed 26298600; PubMed 23935525; PubMed 32023956; PubMed 27657681.

NM_000169.3(GLA):c.1243C>T (p.Leu415Phe)

Genes: GLA (galactosidase alpha; minus strand), RPL36A-HNRNPH2 (RPL36A-HNRNPH2 readthrough; plus strand). Cytogenetic location: Xq22.1.
Variant type: single nucleotide variant.
Coding change: c.1243C>T on transcript NM_000169.3 (MANE Select); coding-DNA position 1243, C replaced by T.
Protein change: p.Leu415Phe; replaces leucine 415 with phenylalanine.
Molecular consequence: missense variant. On other transcripts: non-coding transcript variant (3), intron variant (2).
Genome position (GRCh38, 1-based): chrX:101,397,856, G>A on the plus strand (C>T on the coding strand, the complement: GLA is on the minus strand). VCF-style: chrX-101397856-G-A. GRCh37 (hg19) VCF-style: chrX-100652844-G-A.
Other names: c.1366C>T, p.Leu456Phe (NM_001406747.1); c.300+2399G>A (NM_001199973.2); c.177+6034G>A (NM_001199974.2); short protein forms L415F, L456F.
Identifiers: ClinVar variation 4087672 (VCV004087672.2).
Genomic context (GRCh38, chrX:101,397,856, plus strand): 5'-TAAAATAAACATTTTAAAGTAAGTCTTTTAATGACATCTGCATTGTATTTTCTAGCTGAA[G>A]CAAAACAGTGCCTGTGGGATTTATGTGACTTCTTAACCTTGAAGTCCATTCATAGAACCC-3'
Protein context (NP_000160.1, residues 405-425): SHINPTGTVL[Leu415Phe]QLENTMQMSL